The following is an entry in ClinVar:

NM_001145196.1(SPATA31A6):c.422C>T (p.Pro141Leu)

Gene: SPATA31A6 (SPATA31 subfamily A member 6; plus strand). Cytogenetic location: 9p11.2.
Variant type: single nucleotide variant.
Coding change: c.422C>T on transcript NM_001145196.1 (MANE Select); coding-DNA position 422, C replaced by T.
Protein change: p.Pro141Leu; replaces proline 141 with leucine.
Molecular consequence: missense variant.
Genome position (GRCh38, 1-based): chr9:42,186,124, C>T. VCF-style: chr9-42186124-C-T. GRCh37 (hg19) VCF-style: chr9-43628265-G-A.
Other names: short protein forms P141L.
Identifiers: ClinVar variation 2356881 (VCV002356881.4), dbSNP rs1005045846, ClinGen allele CA193291901.

ClinVar aggregate classification (germline): Uncertain significance (1 of 4 stars; one submission).

Allele frequency attached by ClinVar (database versions not stated): 1000 Genomes Project 30x 0.00016.

Submission:

Ambry Genetics
Classification: Uncertain significance. Last evaluated: 2026-08-03. Review status: criteria provided, single submitter. Criteria: Ambry Variant Classification Scheme 2023. Collection method: clinical testing. Allele origin: germline.
Comment: The c.422C>T (p.P141L) alteration is located in exon 4 (coding exon 4) of the SPATA31A6 gene. This alteration results from a C to T substitution at nucleotide position 422, causing the proline (P) at amino acid position 141 to be replaced by a leucine (L). Based on data from gnomAD, the T allele has an overall frequency of 0.024% (15/62470) total alleles studied. The highest observed frequency was 0.05% (13/25892) of European (non-Finnish) alleles. Based on insufficient or conflicting evidence, the clinical significance of this alteration remains unclear.